The following is an entry in ClinVar:

NM_015272.5(RPGRIP1L):c.1712A>G (p.Asp571Gly)

Gene: RPGRIP1L (RPGRIP1 like; minus strand). Cytogenetic location: 16q12.2.
Variant type: single nucleotide variant.
Coding change: c.1712A>G on transcript NM_015272.5 (MANE Select); coding-DNA position 1712, A replaced by G.
Protein change: p.Asp571Gly; replaces aspartic acid 571 with glycine.
Molecular consequence: missense variant.
Genome position (GRCh38, 1-based): chr16:53,652,975, T>C on the plus strand (A>G on the coding strand, the complement: RPGRIP1L is on the minus strand). VCF-style: chr16-53652975-T-C. GRCh37 (hg19) VCF-style: chr16-53686887-T-C.
Other names: c.1712A>G, p.Asp571Gly (NM_001127897.4, NM_001308334.3, NM_001330538.2); c.1712A>G (NM_015272.4); short protein forms D571G.
Identifiers: ClinVar variation 3580852 (VCV003580852.2).

ClinVar aggregate classification (germline): Uncertain significance. Review status: criteria provided, multiple submitters, no conflicts (2 of 4 stars). 2 submissions from 2 submitters: Uncertain significance (2). Last evaluated 2026-05-26.

Conditions:
Meckel syndrome, type 5 (MKS5). Identifiers: Orphanet 564, MedGen C1969052, MONDO:0012695, OMIM 611561.
COACH syndrome 3. Identifiers: MedGen C5436841, MONDO:0030862, OMIM 619113.
Joubert syndrome 7 (JBTS7). Identifiers: Orphanet 220497, MedGen C1969053, MONDO:0012694, OMIM 611560.
RPGRIP1L-related disorder. Also called: RPGRIP1L-related condition; RPGRIP1L-related disorders. Identifiers: MedGen CN239416.

Submissions (2):

PreventionGenetics, part of Exact Sciences
Classification: Uncertain significance for RPGRIP1L-related condition. Last evaluated: 2026-05-26. Review status: criteria provided, single submitter. Criteria: ACMG Guidelines, 2015. Collection method: clinical testing. Allele origin: germline.
Comment: The RPGRIP1L c.1712A>G variant is predicted to result in the amino acid substitution p.Asp571Gly. To our knowledge, this variant has not been reported in the literature or in a large population database (gnomAD), indicating this variant is rare. At this time, the clinical significance of this variant is uncertain due to the absence of conclusive functional and genetic evidence.

Fulgent Genetics
Classification: Uncertain significance for Joubert syndrome 7; Meckel syndrome, type 5; COACH syndrome 3. Last evaluated: 2024-02-04. Review status: criteria provided, single submitter. Criteria: ACMG Guidelines, 2015. Collection method: clinical testing. Allele origin: germline.